The following is an entry in ClinVar:

NM_001077653.2(TBX20):c.7T>A (p.Phe3Ile)

Gene: TBX20 (T-box transcription factor 20; minus strand). Cytogenetic location: 7p14.2.
Variant type: single nucleotide variant.
Coding change: c.7T>A on transcript NM_001077653.2 (MANE Select); coding-DNA position 7, T replaced by A.
Protein change: p.Phe3Ile; replaces phenylalanine 3 with isoleucine.
Molecular consequence: missense variant.
Genome position (GRCh38, 1-based): chr7:35,253,614, A>T on the plus strand (T>A on the coding strand, the complement: TBX20 is on the minus strand). VCF-style: chr7-35253614-A-T. GRCh37 (hg19) VCF-style: chr7-35293225-A-T.
Other names: c.7T>A, p.Phe3Ile (NM_001166220.1); short protein forms F3I.
Identifiers: ClinVar variation 3453883 (VCV003453883.1).

ClinVar aggregate classification (germline): Uncertain significance (1 of 4 stars; one submission).

Conditions:
Cardiovascular phenotype. Identifiers: MedGen CN230736.

Submission:

Ambry Genetics
Classification: Uncertain significance for Cardiovascular phenotype. Last evaluated: 2024-11-27. Review status: criteria provided, single submitter. Criteria: Ambry Variant Classification Scheme 2023. Collection method: clinical testing. Allele origin: germline.
Comment: The p.F3I variant (also known as c.7T>A), located in coding exon 1 of the TBX20 gene, results from a T to A substitution at nucleotide position 7. The phenylalanine at codon 3 is replaced by isoleucine, an amino acid with highly similar properties. This amino acid position is conserved. In addition, the in silico prediction for this alteration is inconclusive. Based on the available evidence, the clinical significance of this variant remains unclear.